The following is an entry in ClinVar:

ClinVar aggregate classification (germline): Pathogenic/Likely pathogenic. Review status: criteria provided, multiple submitters, no conflicts (2 of 4 stars). 4 submissions from 4 submitters: Pathogenic (2); Likely pathogenic (2). Last evaluated 2023-11-07.

Conditions:
Wilson disease (WND). Also called: Wilson's disease. Identifiers: Orphanet 905, MedGen C0019202, MONDO:0010200, OMIM 277900. Disease mechanism: loss of function.

Submissions (4):

Baylor Genetics
Classification: Likely pathogenic for Wilson disease. Last evaluated: 2023-11-07. Review status: criteria provided, single submitter. Criteria: ACMG Guidelines, 2015. Collection method: clinical testing. Allele origin: unknown.

Genome-Nilou Lab
Classification: Pathogenic for Wilson disease. Last evaluated: 2021-08-10. Review status: criteria provided, single submitter. Criteria: ACMG Guidelines, 2015. Collection method: clinical testing. Allele origin: germline. Affected: no.

Labcorp Genetics (formerly Invitae), Labcorp
Classification: Pathogenic for Wilson disease. Last evaluated: 2019-10-07. Review status: criteria provided, single submitter. Criteria: Invitae Variant Classification Sherloc (09022015). Collection method: clinical testing. Allele origin: germline.
Comment: This variant has not been reported in the literature in individuals with ATP7B-related conditions. ClinVar contains an entry for this variant (Variation ID: 633065). This sequence change creates a premature translational stop signal (p.Lys324*) in the ATP7B gene. It is expected to result in an absent or disrupted protein product. This variant is not present in population databases (ExAC no frequency). Loss-of-function variants in ATP7B are known to be pathogenic (PMID: 10441329, 16283883). For these reasons, this variant has been classified as Pathogenic.

Women's Health and Genetics/Laboratory Corporation of America, LabCorp
Classification: Likely pathogenic for Wilson disease. Last evaluated: 2018-02-21. Review status: criteria provided, single submitter. Criteria: LabCorp Variant Classification Summary - May 2015. Collection method: clinical testing. Allele origin: germline.
Comment: Variant summary: ATP7B c.970A>T (p.Lys324X) results in a premature termination codon, predicted to cause a truncation of the encoded protein or absence of the protein due to nonsense mediated decay, which are commonly known mechanisms for disease. Truncations downstream of this position have been classified as pathogenic by our laboratory (eg. c.1531C>T (p.Gln511X), c.2149C>T (p.Gln717X), and c.2336G>A (p.Trp779X)). The variant was absent from 245940 control chromosomes of gnomAD dataset. To our knowledge, no occurrence of c.970A>T in individuals affected with Wilson Disease and no experimental evidence demonstrating its impact on protein function have been reported. No clinical diagnostic laboratories have submitted clinical-significance assessments for this variant to ClinVar after 2014. Based on the evidence outlined above, the variant was classified as likely pathogenic.

Literature cited by the submitters: PubMed 10441329 (cited by Labcorp Genetics (formerly Invitae), Labcorp); PubMed 16283883 (cited by Labcorp Genetics (formerly Invitae), Labcorp).

NM_000053.4(ATP7B):c.970A>T (p.Lys324Ter)

Gene: ATP7B (ATPase copper transporting beta; minus strand). Cytogenetic location: 13q14.3.
Variant type: single nucleotide variant.
Coding change: c.970A>T on transcript NM_000053.4 (MANE Select); coding-DNA position 970, A replaced by T.
Protein change: p.Lys324Ter; replaces lysine 324 with a stop codon.
Molecular consequence: nonsense. On other transcripts: intron variant (1).
Genome position (GRCh38, 1-based): chr13:51,974,250, T>A on the plus strand (A>T on the coding strand, the complement: ATP7B is on the minus strand). VCF-style: chr13-51974250-T-A. GRCh37 (hg19) VCF-style: chr13-52548386-T-A.
Other names: c.970A>T, p.Lys324Ter (NM_001005918.3, NM_001330578.2, NM_001330579.2); c.803-166A>T (NM_001243182.2); short protein forms K324*.
Identifiers: ClinVar variation 633065 (VCV000633065.11), dbSNP rs911589273, ClinGen allele CA250066950.
Genomic context (GRCh38, chr13:51,974,250, plus strand): 5'-GAGAACTGGAAGACCTGTGATCTGTCCCACTCCCTTCGGCTCCATCAGGAAGAGAAACTT[T>A]AAAATTCCCAGGTGGAAGTGCCTCGATAGCCCTCTGCAGAGCCACTGGGCTGGTACAAGA-3'